The following is an entry in ClinVar:

ClinVar aggregate classification (germline): Benign. Review status: criteria provided, multiple submitters, no conflicts (2 of 4 stars). 9 submissions from 9 submitters: Benign (7). 2 of the submissions do not count toward it. Last evaluated 2026-02-04.

Conditions:
Weill-Marchesani 4 syndrome, recessive. Also called: Weill-Marchesani syndrome 4. Identifiers: Orphanet 363992, MedGen C2750787, MONDO:0013176, OMIM 613195.

Allele frequency attached by ClinVar (database versions not stated): gnomAD exomes 0.14938 and 0.19517; ESP Exome Variant Server 0.16569; gnomAD 0.18423 and 0.18690; ExAC 0.18772; TOPMed 0.19806; 1000 Genomes Project 0.26378; 1000 Genomes Project 30x 0.26421.
gnomAD v4.1: 247,831 of 1,613,660 alleles (15%); highest among the groups gnomAD compares: East Asian, 46%; 22,857 homozygotes.

Submissions (11):

Labcorp Genetics (formerly Invitae), Labcorp
Classification: Benign. Last evaluated: 2026-02-04. Review status: criteria provided, single submitter. Criteria: Invitae Variant Classification Sherloc (09022015). Collection method: clinical testing. Allele origin: germline.

Blueprint Genetics
Classification: Benign. Last evaluated: 2024-11-27. Review status: criteria provided, single submitter. Criteria: ACMG Guidelines, 2015. Collection method: clinical testing. Allele origin: germline.

Mayo Clinic Laboratories, Mayo Clinic
Classification: Benign. Last evaluated: 2022-04-26. Review status: criteria provided, single submitter. Criteria: ACMG Guidelines, 2015. Collection method: clinical testing. Allele origin: germline. Observed: 231 variant alleles.

Genome-Nilou Lab
Classification: Benign for Weill-Marchesani 4 syndrome, recessive. Last evaluated: 2021-05-18. Review status: criteria provided, single submitter. Criteria: ACMG Guidelines, 2015. Collection method: clinical testing. Allele origin: germline. Affected: no.

GeneDx
Classification: Benign. Last evaluated: 2018-09-06. Review status: criteria provided, single submitter. Criteria: GeneDx Variant Classification Process June 2021. Collection method: clinical testing. Allele origin: germline. Affected: yes.

Illumina Laboratory Services, Illumina
Classification: Benign for Weill-Marchesani 4 syndrome, recessive. Last evaluated: 2018-01-12. Review status: criteria provided, single submitter. Criteria: ICSL Variant Classification Criteria 13 December 2019. Collection method: clinical testing. Allele origin: germline.
Comment: This variant was observed in the ICSL laboratory as part of a predisposition screen in an ostensibly healthy population. It had not been previously curated by ICSL or reported in the Human Gene Mutation Database (HGMD: prior to June 1st, 2018), and was therefore a candidate for classification through an automated scoring system. Utilizing variant allele frequency, disease prevalence and penetrance estimates, and inheritance mode, an automated score was calculated to assess if this variant is too frequent to cause the disease. Based on the score and internal cut-off values, a variant classified as benign is not then subjected to further curation. The score for this variant resulted in a classification of benign for this disease.

Breakthrough Genomics
Classification: Benign. Review status: criteria provided, single submitter. Criteria: ACMG Guidelines, 2015. Collection method: not provided. Allele origin: germline. Inheritance: Autosomal recessive inheritance. Affected: yes.

Diagnostic Laboratory, Department of Genetics, University Medical Center Groningen
Classification: Benign for Weill-Marchesani 4 syndrome, recessive. Review status: no assertion criteria provided. Collection method: clinical testing. Allele origin: germline. Affected: yes. Study: VKGL Data-share Consensus. Not counted in ClinVar's aggregate classification.

Dr. Peter K. Rogan Lab, Western University
No classification provided (evidence only). Condition: Squamous cell carcinoma of the head and neck. Review status: no classification provided. Collection method: in vitro. Allele origin: not applicable. Functional consequence: retained intron. Not counted in ClinVar's aggregate classification.

Dr. Peter K. Rogan Lab, Western University
No classification provided (evidence only). Condition: Uveal melanoma. Review status: no classification provided. Collection method: in vitro. Allele origin: not applicable. Functional consequence: retained intron. Not counted in ClinVar's aggregate classification.

Genome Diagnostics Laboratory, Amsterdam University Medical Center
Classification: Benign. Review status: no assertion criteria provided. Collection method: clinical testing. Allele origin: germline. Affected: yes. Study: VKGL Data-share Consensus. Not counted in ClinVar's aggregate classification.

NM_139057.4(ADAMTS17):c.2112C>T (p.Gly704=)

Gene: ADAMTS17 (ADAM metallopeptidase with thrombospondin type 1 motif 17; minus strand). Cytogenetic location: 15q26.3.
Variant type: single nucleotide variant.
Coding change: c.2112C>T on transcript NM_139057.4 (MANE Select); coding-DNA position 2112, C replaced by T.
Protein change: p.Gly704=; no amino-acid change (glycine 704 retained).
Molecular consequence: synonymous variant.
Genome position (GRCh38, 1-based): chr15:100,096,381, G>A on the plus strand (C>T on the coding strand, the complement: ADAMTS17 is on the minus strand). VCF-style: chr15-100096381-G-A. GRCh37 (hg19) VCF-style: chr15-100636586-G-A.
Other names: p.Gly704=.
Identifiers: ClinVar variation 315270 (VCV000315270.21), dbSNP rs4965583, ClinGen allele CA7757892.